The following is an entry in ClinVar:

ClinVar aggregate classification (germline): Pathogenic (1 of 4 stars; one submission).

Submission:

GeneDx
Classification: Pathogenic. Last evaluated: 2025-04-24. Review status: criteria provided, single submitter. Criteria: GeneDx Variant Classification Process June 2021. Collection method: clinical testing. Allele origin: germline. Affected: yes.
Comment: Nonsense variant predicted to result in protein truncation or nonsense mediated decay in a gene for which loss of function is a known mechanism of disease; Not observed at significant frequency in large population cohorts (gnomAD); Has not been previously published as pathogenic or benign to our knowledge

NM_001278116.2(L1CAM):c.2261G>A (p.Trp754Ter)

Gene: L1CAM (L1 cell adhesion molecule; minus strand). Cytogenetic location: Xq28.
Variant type: single nucleotide variant.
Coding change: c.2261G>A on transcript NM_001278116.2 (MANE Select); coding-DNA position 2261, G replaced by A.
Protein change: p.Trp754Ter; replaces tryptophan 754 with a stop codon.
Molecular consequence: nonsense.
Genome position (GRCh38, 1-based): chrX:153,866,819, C>T on the plus strand (G>A on the coding strand, the complement: L1CAM is on the minus strand). VCF-style: chrX-153866819-C-T. GRCh37 (hg19) VCF-style: chrX-153132274-C-T.
Other names: c.2261G>A, p.Trp754Ter (NM_000425.5, NM_024003.3); c.2246G>A, p.Trp749Ter (NM_001143963.2); short protein forms W749*, W754*.
Identifiers: ClinVar variation 4527484 (VCV004527484.1).